The following is an entry in ClinVar:

NM_004181.5(UCHL1):c.47T>C (p.Val16Ala)

Gene: UCHL1 (ubiquitin C-terminal hydrolase L1; plus strand). Cytogenetic location: 4p13.
Variant type: single nucleotide variant.
Coding change: c.47T>C on transcript NM_004181.5 (MANE Select); coding-DNA position 47, T replaced by C.
Protein change: p.Val16Ala; replaces valine 16 with alanine.
Molecular consequence: missense variant.
Genome position (GRCh38, 1-based): chr4:41,257,610, T>C. VCF-style: chr4-41257610-T-C. GRCh37 (hg19) VCF-style: chr4-41259627-T-C.
Other names: short protein forms V16A.
Identifiers: ClinVar variation 4886652 (VCV004886652.2).

ClinVar aggregate classification (germline): Uncertain significance (1 of 4 stars; one submission).

Submission:

Dasa
Classification: Uncertain significance. Last evaluated: 2025-08-06. Review status: criteria provided, single submitter. Criteria: DASA Assertion Criteria. Collection method: clinical testing. Allele origin: germline.
Comment: NM_004181.5(UCHL1):c.47T>C (p.Val16Ala) is a missense variant that results in the substitution of valine with alanine. This variant is absent from population databases. The currently available literature and clinical evidence are not sufficient to establish a definitive association between this variant and the reported condition. Therefore, this variant is classified as a variant of uncertain significance.